The following is an entry in ClinVar:

ClinVar aggregate classification (germline): Uncertain significance (1 of 4 stars; one submission).

Conditions:
Inborn genetic diseases. Identifiers: MedGen C0950123, MeSH D030342.

gnomAD v4.1: 4 of 1,519,604 alleles (0.00026%); highest among the groups gnomAD compares: East Asian, 0.0023%; no homozygotes.

Submission:

Ambry Genetics
Classification: Uncertain significance for Inborn genetic diseases. Last evaluated: 2026-01-19. Review status: criteria provided, single submitter. Criteria: Ambry Variant Classification Scheme 2023. Collection method: clinical testing. Allele origin: germline.
Comment: The p.N1587T variant (also known as c.4760A>C), located in coding exon 19 of the FANCM gene, results from an A to C substitution at nucleotide position 4760. The asparagine at codon 1587 is replaced by threonine, an amino acid with similar properties. This amino acid position is conserved. In addition, this alteration is predicted to be tolerated by in silico analysis. Based on the available evidence, the clinical significance of this variant remains unclear.

NM_020937.4(FANCM):c.4760A>C (p.Asn1587Thr)

Gene: FANCM (FA complementation group M; plus strand). Cytogenetic location: 14q21.2.
Variant type: single nucleotide variant.
Coding change: c.4760A>C on transcript NM_020937.4 (MANE Select); coding-DNA position 4760, A replaced by C.
Protein change: p.Asn1587Thr; replaces asparagine 1587 with threonine.
Molecular consequence: missense variant.
Genome position (GRCh38, 1-based): chr14:45,187,868, A>C. VCF-style: chr14-45187868-A-C. GRCh37 (hg19) VCF-style: chr14-45657071-A-C.
Other names: c.4682A>C, p.Asn1561Thr (NM_001308133.2); short protein forms N1587T, N1561T.
Identifiers: ClinVar variation 4844538 (VCV004844538.1).
Genomic context (GRCh38, chr14:45,187,868, plus strand): 5'-AATCTTTGCGTAGTCCAATGATGAACAATAAGTACAAAATGATTCATAAGACACATAAAA[A>C]CATAAACATTTTCTCGCAGGTATGAACTATAGAAATATAATGGAGAATTTCTGGATGATG-3'
Protein context (NP_065988.1, residues 1577-1597): KYKMIHKTHK[Asn1587Thr]INIFSQIPEQ